The following is an entry in ClinVar:

NM_004656.4(BAP1):c.520G>A (p.Val174Met)

Gene: BAP1 (BRCA1 associated deubiquitinase 1; minus strand). Cytogenetic location: 3p21.1.
Variant type: single nucleotide variant.
Coding change: c.520G>A on transcript NM_004656.4 (MANE Select); coding-DNA position 520, G replaced by A.
Protein change: p.Val174Met; replaces valine 174 with methionine.
Molecular consequence: missense variant.
Genome position (GRCh38, 1-based): chr3:52,407,234, C>T on the plus strand (G>A on the coding strand, the complement: BAP1 is on the minus strand). VCF-style: chr3-52407234-C-T. GRCh37 (hg19) VCF-style: chr3-52441250-C-T.
Other names: c.520G>A, p.Val174Met (NM_001410772.1); short protein forms V174M.
Identifiers: ClinVar variation 3894190 (VCV003894190.1).
Genomic context (GRCh38, chr3:52,407,234, plus strand): 5'-CATGGTCAATGGGGTAGACCTTCAGCCCATCCAGCTCAAAGAGCCGGCCTGTGATAGGCA[C>T]ATAGCTGACAAAGTGGAACGCCTCCATGGTCCGCACTGCACTAAGGCCATTCTGCTTCTC-3'
Protein context (NP_004647.1, residues 164-184): TMEAFHFVSY[Val174Met]PITGRLFELD

ClinVar aggregate classification (germline): Uncertain significance (1 of 4 stars; one submission).

Conditions:
Hereditary cancer-predisposing syndrome. Also called: Neoplastic Syndromes, Hereditary; Tumor predisposition; Hereditary Cancer Syndrome; Hereditary neoplastic syndrome. Identifiers: Orphanet 140162, MedGen C0027672, MeSH D009386, MONDO:0015356.

Submission:

Color Diagnostics, LLC DBA Color Health
Classification: Uncertain significance for Hereditary cancer-predisposing syndrome. Last evaluated: 2025-01-06. Review status: criteria provided, single submitter. Criteria: ACMG Guidelines, 2015. Collection method: clinical testing. Allele origin: germline.
Comment: This missense variant replaces valine with methionine at codon 174 of the BAP1 protein. Computational prediction suggests that this variant may not impact protein structure and function (internally defined REVEL score threshold <= 0.5, PMID: 27666373). To our knowledge, functional studies have not been reported for this variant. This variant has not been reported in individuals affected with BAP1-related disorders in the literature. This variant has not been identified in the general population by the Genome Aggregation Database (gnomAD). The available evidence is insufficient to determine the role of this variant in disease conclusively. Therefore, this variant is classified as a Variant of Uncertain Significance.